The following is an entry in ClinVar:

ClinVar aggregate classification (germline): Likely benign (1 of 4 stars; one submission).

Conditions:
Malignant hyperthermia, susceptibility to, 1 (MHS1). Also called: Anesthesia related hyperthermia; Malignant hyperpyrexia; Fulminating hyperpyrexia; Pharmacogenic myopathy; RYR1-Related Malignant Hyperthermia Susceptibility; Malignant hyperthermia suceptibility 1. Identifiers: Orphanet 423, MedGen C2930980, MONDO:0007783, OMIM 145600.

Allele frequency attached by ClinVar (database versions not stated): gnomAD exomes below 0.00001; gnomAD 0.00001; TOPMed 0.00001.
gnomAD v4.1: 4 of 1,613,824 alleles (0.00025%); highest among the groups gnomAD compares: South Asian, 0.0011%; no homozygotes.

Submission:

All of Us Research Program, National Institutes of Health
Classification: Likely benign for Malignant hyperthermia, susceptibility to, 1. Last evaluated: 2024-02-05. Review status: criteria provided, single submitter. Criteria: ACMG Guidelines, 2015. Collection method: clinical testing. Allele origin: germline. Inheritance: Autosomal dominant inheritance. Observed: 1 variant allele, 1 heterozygote.
Comment: This study involves interpretation of variants in research participants for the purpose of population health screening. Participant phenotype was not available at the time of variant classification. Additional details can be found in publication PMID: 35346344, PMCID: PMC8962531

NM_000540.3(RYR1):c.2061C>T (p.Leu687=)

Gene: RYR1 (ryanodine receptor 1; plus strand). Cytogenetic location: 19q13.2.
Variant type: single nucleotide variant.
Coding change: c.2061C>T on transcript NM_000540.3 (MANE Select); coding-DNA position 2061, C replaced by T.
Protein change: p.Leu687=; no amino-acid change (leucine 687 retained).
Molecular consequence: synonymous variant.
Genome position (GRCh38, 1-based): chr19:38,458,186, C>T. VCF-style: chr19-38458186-C-T. GRCh37 (hg19) VCF-style: chr19-38948826-C-T.
Other names: c.2061C>T, p.Leu687= (NM_001042723.2).
Identifiers: ClinVar variation 3075476 (VCV003075476.1), dbSNP rs1316101619, ClinGen allele CA507243797.
Genomic context (GRCh38, chr19:38,458,186, plus strand): 5'-GGACGAGGTGACTCCATTTCTGACAGCTCAGGCCACCCACTTGCGGGTGGGCTGGGCCCT[C>T]ACCGAGGGCTACACCCCCTACCCTGGGGCCGGCGAGGGCTGGGGCGGCAACGGGGTCGGC-3'
Protein context (NP_000531.2, residues 677-697): QATHLRVGWA[Leu687=]TEGYTPYPGA